The following is an entry in ClinVar:

Conditions:
Breast-ovarian cancer, familial, susceptibility to, 1 (BROVCA1). Also called: BRCA1 Hereditary Breast and Ovarian Cancer; OVARIAN CANCER, SUSCEPTIBILITY TO. Identifiers: Orphanet 145, MedGen C2676676, MONDO:0011450, OMIM 604370. Disease mechanism: loss of function.

Submission:

Brotman Baty Institute, University of Washington
No classification provided (evidence only). Condition: Breast-ovarian cancer, familial 1. Review status: no classification provided. Collection method: in vitro. Allele origin: not applicable. Functional consequence: functionally_normal.
ClinVar note: "not provided" was previously submitted as the classification for the variant. However, the classification appeared to be based only on an observation of functional data so it was converted to no classification on 2025-07-30.

NM_007294.4(BRCA1):c.5296A>T (p.Ile1766Phe)

Gene: BRCA1 (BRCA1 DNA repair associated; minus strand). Cytogenetic location: 17q21.31.
Variant type: single nucleotide variant.
Coding change: c.5296A>T on transcript NM_007294.4 (MANE Select); coding-DNA position 5296, A replaced by T.
Protein change: p.Ile1766Phe; replaces isoleucine 1766 with phenylalanine.
Molecular consequence: missense variant. On other transcripts: non-coding transcript variant (1).
Genome position (GRCh38, 1-based): chr17:43,051,099, T>A on the plus strand (A>T on the coding strand, the complement: BRCA1 is on the minus strand). VCF-style: chr17-43051099-T-A. GRCh37 (hg19) VCF-style: chr17-41203116-T-A.
Other names: c.5083A>T, p.Ile1695Phe (NM_001407571.1, NM_001407896.1, NM_001407897.1 and 12 more transcripts); c.5362A>T, p.Ile1788Phe (NM_001407581.1, NM_001407582.1); c.5359A>T, p.Ile1787Phe (NM_001407583.1, NM_001407585.1, NM_001407587.1 and 1 more transcripts); c.5356A>T, p.Ile1786Phe (NM_001407590.1, NM_001407591.1); c.5296A>T, p.Ile1766Phe (NM_001407593.1, NM_001407594.1, NM_001407596.1 and 6 more transcripts); c.5293A>T, p.Ile1765Phe (NM_001407610.1, NM_001407611.1, NM_001407612.1 and 17 more transcripts); c.5290A>T, p.Ile1764Phe (NM_001407627.1, NM_001407628.1, NM_001407629.1 and 14 more transcripts); c.5287A>T, p.Ile1763Phe (NM_001407644.1, NM_001407645.1); and 72 more; short protein forms I1719F, I1787F, I1766F, I662F, I1638F, I1722F, I1747F, I1786F.
Identifiers: ClinVar variation 865571 (VCV000865571.3), dbSNP rs886039314, ClinGen allele CA10590956.